The following is an entry in ClinVar:

NM_005762.3(TRIM28):c.157G>A (p.Gly53Arg)

Genes: TRIM28 (tripartite motif containing 28; plus strand), LOC130065239 (ATAC-STARR-seq lymphoblastoid silent region 11093; plus strand). Cytogenetic location: 19q13.43.
Variant type: single nucleotide variant.
Coding change: c.157G>A on transcript NM_005762.3 (MANE Select); coding-DNA position 157, G replaced by A.
Protein change: p.Gly53Arg; replaces glycine 53 with arginine.
Molecular consequence: missense variant.
Genome position (GRCh38, 1-based): chr19:58,544,914, G>A. VCF-style: chr19-58544914-G-A. GRCh37 (hg19) VCF-style: chr19-59056281-G-A.
Other names: short protein forms G53R.
Identifiers: ClinVar variation 3725908 (VCV003725908.2).

ClinVar aggregate classification (germline): Uncertain significance (1 of 4 stars; one submission).

gnomAD v4.1: 3 of 1,393,434 alleles (0.00022%); highest among the groups gnomAD compares: Non-Finnish European, 0.00028%; no homozygotes.

Submission:

Labcorp Genetics (formerly Invitae), Labcorp
Classification: Uncertain significance. Last evaluated: 2024-11-24. Review status: criteria provided, single submitter. Criteria: Invitae Variant Classification Sherloc (09022015). Collection method: clinical testing. Allele origin: germline.
Comment: This sequence change replaces glycine, which is neutral and non-polar, with arginine, which is basic and polar, at codon 53 of the TRIM28 protein (p.Gly53Arg). This variant is not present in population databases (gnomAD no frequency). This variant has not been reported in the literature in individuals affected with TRIM28-related conditions. An algorithm developed to predict the effect of missense changes on protein structure and function outputs the following: PolyPhen-2: "Not Available". The arginine amino acid residue is found in multiple mammalian species, which suggests that this missense change does not adversely affect protein function. In summary, the available evidence is currently insufficient to determine the role of this variant in disease. Therefore, it has been classified as a Variant of Uncertain Significance.